The following is an entry in ClinVar:

ClinVar aggregate classification (germline): Pathogenic. Review status: criteria provided, multiple submitters, no conflicts (2 of 4 stars). 2 submissions from 2 submitters: Pathogenic (2). Last evaluated 2023-08-15.

Conditions:
Hereditary nonpolyposis colorectal neoplasms. Identifiers: MedGen C0009405, MeSH D003123.
Lynch syndrome 5 (LYNCH5). Also called: Hereditary non-polyposis colorectal cancer, type 5; Colorectal cancer, hereditary nonpolyposis, type 5. Identifiers: Orphanet 144, MedGen C1833477, MONDO:0013710, OMIM 614350. Disease mechanism: loss of function.

Submissions (2):

Myriad Genetics, Inc.
Classification: Pathogenic for Lynch syndrome 5. Last evaluated: 2023-08-15. Review status: criteria provided, single submitter. Criteria: Myriad Autosomal Dominant, Autosomal Recessive and X-Linked Classification Criteria (2023). Collection method: clinical testing. Allele origin: unknown.
Comment: This variant is considered pathogenic. This variant creates a frameshift predicted to result in premature protein truncation.

Labcorp Genetics (formerly Invitae), Labcorp
Classification: Pathogenic for Hereditary nonpolyposis colorectal neoplasms. Last evaluated: 2022-04-24. Review status: criteria provided, single submitter. Criteria: Invitae Variant Classification Sherloc (09022015). Collection method: clinical testing. Allele origin: germline.
Comment: For these reasons, this variant has been classified as Pathogenic. This variant has not been reported in the literature in individuals affected with MSH6-related conditions. This variant is not present in population databases (gnomAD no frequency). This sequence change creates a premature translational stop signal (p.Ser549Leufs*21) in the MSH6 gene. It is expected to result in an absent or disrupted protein product. Loss-of-function variants in MSH6 are known to be pathogenic (PMID: 18269114, 24362816).

Literature cited by the submitters: PubMed 18269114 (cited by Labcorp Genetics (formerly Invitae), Labcorp); PubMed 24362816 (cited by Labcorp Genetics (formerly Invitae), Labcorp).

NM_000179.3(MSH6):c.1646_1649del (p.Ser549fs)

Gene: MSH6 (mutS homolog 6; plus strand). Cytogenetic location: 2p16.3.
Variant type: Deletion.
Coding change: c.1646_1649del on transcript NM_000179.3 (MANE Select); coding-DNA positions 1646 to 1649, 4 bases deleted (CTTC; older notation c.1646_1649delCTTC).
Protein change: p.Ser549fs; shifts the reading frame from serine 549.
Molecular consequence: frameshift variant.
Genome position (GRCh38, 1-based): chr2:47,799,629-47,799,632, CTTC deleted. VCF-style (leftmost placement, unchanged base first): chr2-47799628-TCTTC-T. GRCh37 (hg19) VCF-style: chr2-48026767-TCTTC-T.
Other names: c.1256_1259del, p.Ser419fs (NM_001281492.2); c.740_743del, p.Ser247fs (NM_001281493.2, NM_001281494.2); c.1742_1745delCTTC, p.Ser581Leufs (NM_001406795.1, NM_001406802.1); c.1646_1649delCTTC, p.Ser549Leufs (NM_001406796.1, NM_001406798.1, NM_001406800.1 and 3 more transcripts); c.1349_1352delCTTC, p.Ser450Leufs (NM_001406797.1, NM_001406801.1, NM_001406805.1 and 10 more transcripts); c.1121_1124delCTTC, p.Ser374Leufs (NM_001406799.1, NM_001406806.1, NM_001406807.1); c.1568_1571delCTTC, p.Ser523Leufs (NM_001406804.1); c.740_743delCTTC, p.Ser247Leufs (NM_001406811.1, NM_001406812.1, NM_001406814.1 and 4 more transcripts); and 2 more; short protein forms S247fs, S419fs, S549fs.
Identifiers: ClinVar variation 2129867 (VCV002129867.5), dbSNP rs2530622044, ClinGen allele CA2580067662.